The following is an entry in ClinVar:

ClinVar aggregate classification (germline): Benign. Review status: criteria provided, multiple submitters, no conflicts (2 of 4 stars). 2 submissions from 2 submitters: Benign (2). Last evaluated 2020-10-29.

Allele frequency attached by ClinVar (database versions not stated): gnomAD 0.03585 and 0.04200; TOPMed 0.04130; 1000 Genomes Project 30x 0.10337; 1000 Genomes Project 0.11142.

Submissions (2):

GeneDx
Classification: Benign. Last evaluated: 2020-10-29. Review status: criteria provided, single submitter. Criteria: GeneDx Variant Classification Process June 2021. Collection method: clinical testing. Allele origin: germline. Affected: yes.
Comment: This variant is associated with the following publications: (PMID: 25739100)

Breakthrough Genomics
Classification: Benign. Review status: criteria provided, single submitter. Criteria: ACMG Guidelines, 2015. Collection method: not provided. Allele origin: germline. Inheritance: Other. Affected: yes.

NM_002015.4(FOXO1):c.*1254G>A

Gene: FOXO1 (forkhead box O1; minus strand). Cytogenetic location: 13q14.11.
Variant type: single nucleotide variant.
Coding change: c.*1254G>A on transcript NM_002015.4 (MANE Select); 1254 bases downstream of the stop codon, G replaced by A.
Molecular consequence: 3 prime UTR variant.
Genome position (GRCh38, 1-based): chr13:40,557,795, C>T on the plus strand (G>A on the coding strand, the complement: FOXO1 is on the minus strand). VCF-style: chr13-40557795-C-T. GRCh37 (hg19) VCF-style: chr13-41131932-C-T.
Identifiers: ClinVar variation 1291640 (VCV001291640.3), dbSNP rs17592236, ClinGen allele CA15783958.
Genomic context (GRCh38, chr13:40,557,795, plus strand): 5'-TTTTGCTAAAGCTCAACTCAAAATGGTGAAGTGGATCAAAATCCCTCGTTTGACAAAGGA[C>T]CATTGCTTTAGATGCAGATCTCCCTTTTCTGATCTACAAACATTATGAGGCCTCCCAGGA-3'